The following is an entry in ClinVar:

NM_001085487.3(MYSM1):c.2328+1G>A

Gene: MYSM1 (Myb like, SWIRM and MPN domains 1; minus strand). Cytogenetic location: 1p32.1.
Variant type: single nucleotide variant.
Coding change: c.2328+1G>A on transcript NM_001085487.3 (MANE Select); the canonical splice donor site of the intron after coding-DNA position 2328, G replaced by A.
Molecular consequence: splice donor variant.
Genome position (GRCh38, 1-based): chr1:58,661,169, C>T on the plus strand (G>A on the coding strand, the complement: MYSM1 is on the minus strand). VCF-style: chr1-58661169-C-T. GRCh37 (hg19) VCF-style: chr1-59126841-C-T.
Identifiers: ClinVar variation 2961357 (VCV002961357.3), dbSNP rs2524133497, ClinGen allele CA340517827.
Genomic context (GRCh38, chr1:58,661,169, plus strand): 5'-TTGAGATGAATAGCTTCAGAATCTGTGAACAATGGAACCAATTAAAATGAAGACAGCTTA[C>T]TTTCTGCAAACAAGTCAGGTCAGAATCCCGGCGAAAGATTTTATCCATGGGGACGCTGCT-3'

ClinVar aggregate classification (germline): Uncertain significance (1 of 4 stars; one submission).

Submission:

Labcorp Genetics (formerly Invitae), Labcorp
Classification: Uncertain significance. Last evaluated: 2024-02-01. Review status: criteria provided, single submitter. Criteria: Invitae Variant Classification Sherloc (09022015). Collection method: clinical testing. Allele origin: germline.
Comment: This sequence change affects a donor splice site in intron 19 of the MYSM1 gene. While this variant is not anticipated to result in nonsense mediated decay, it likely alters RNA splicing and results in a disrupted protein product. This variant is not present in population databases (gnomAD no frequency). This variant has not been reported in the literature in individuals affected with MYSM1-related conditions. Variants that disrupt the consensus splice site are a relatively common cause of aberrant splicing (PMID: 17576681, 9536098). Algorithms developed to predict the effect of sequence changes on RNA splicing suggest that this variant may disrupt the consensus splice site. In summary, the available evidence is currently insufficient to determine the role of this variant in disease. Therefore, it has been classified as a Variant of Uncertain Significance.

Literature cited by the submitters: PubMed 17576681; PubMed 9536098.